The following is an entry in ClinVar:

ClinVar aggregate classification (germline): Pathogenic (1 of 4 stars; one submission).

Conditions:
Hereditary breast ovarian cancer syndrome. Also called: Hereditary breast and ovarian cancer syndrome; Hereditary breast and ovarian cancer syndrome (HBOC); BRCA1- and BRCA2-Associated Hereditary Breast and Ovarian Cancer; Hereditary breast and/or ovarian cancer syndrome; Hereditary breast and ovarian cancer; Breast and ovarian cancer. Identifiers: Orphanet 145, MedGen C0677776, MeSH D061325, MONDO:0003582. Disease mechanism: loss of function.

Submission:

Labcorp Genetics (formerly Invitae), Labcorp
Classification: Pathogenic for Hereditary breast ovarian cancer syndrome. Last evaluated: 2025-12-06. Review status: criteria provided, single submitter. Criteria: Invitae Variant Classification Sherloc (09022015). Collection method: clinical testing. Allele origin: germline.
Comment: This sequence change creates a premature translational stop signal (p.Asn1822Ilefs*18) in the BRCA2 gene. It is expected to result in an absent or disrupted protein product. Loss-of-function variants in BRCA2 are known to be pathogenic (PMID: 20104584). This variant is not present in population databases (gnomAD no frequency). This premature translational stop signal has been observed in individual(s) with breast cancer (PMID: 25480878, 28724667). This variant is also known as 5693delA and c.5461delA. ClinVar contains an entry for this variant (Variation ID: 581068). For these reasons, this variant has been classified as Pathogenic.

Literature cited by the submitters: PubMed 20104584; PubMed 25480878; PubMed 28724667.

NM_000059.4(BRCA2):c.5465del (p.Asn1822fs)

Gene: BRCA2 (BRCA2 DNA repair associated; plus strand). Cytogenetic location: 13q13.1.
Variant type: Deletion.
Coding change: c.5465del on transcript NM_000059.4 (MANE Select); coding-DNA position 5465, one base deleted (A; older notation c.5465delA).
Protein change: p.Asn1822fs; shifts the reading frame from asparagine 1822.
Molecular consequence: frameshift variant.
Genome position (GRCh38, 1-based): chr13:32,339,820, A deleted; the last of 5 consecutive A bases (chr13:32,339,816-32,339,820); deleting any one gives the same sequence. VCF-style (leftmost placement, unchanged base first): chr13-32339815-CA-C. GRCh37 (hg19) VCF-style: chr13-32913952-CA-C.
Other names: c.5465delA (NM_000059.3); short protein forms N1822fs.
Identifiers: ClinVar variation 581068 (VCV000581068.12), dbSNP rs1555284237, ClinGen allele CA891844236.